The following is an entry in ClinVar:

NM_001291303.3(FAT4):c.6731C>T (p.Thr2244Met)

Gene: FAT4 (FAT atypical cadherin 4; plus strand). Cytogenetic location: 4q28.1.
Variant type: single nucleotide variant.
Coding change: c.6731C>T on transcript NM_001291303.3 (MANE Select); coding-DNA position 6731, C replaced by T.
Protein change: p.Thr2244Met; replaces threonine 2244 with methionine.
Molecular consequence: missense variant.
Genome position (GRCh38, 1-based): chr4:125,415,694, C>T. VCF-style: chr4-125415694-C-T. GRCh37 (hg19) VCF-style: chr4-126336849-C-T.
Other names: c.6731C>T, p.Thr2244Met (NM_001291285.3, NM_024582.6); c.6731C>T (NM_024582.5); short protein forms T2244M.
Identifiers: ClinVar variation 1198532 (VCV001198532.15), dbSNP rs145342353, ClinGen allele CA3072973.

ClinVar aggregate classification (germline): Conflicting classifications of pathogenicity. Review status: criteria provided, conflicting classifications (1 of 4 stars). 5 submissions from 5 submitters: Uncertain significance (4); Likely benign (1). Last evaluated 2026-07-01.

Conditions:
Hennekam lymphangiectasia-lymphedema syndrome 2 (HKLLS2). Identifiers: Orphanet 2136, MedGen C4014939, MONDO:0014454, OMIM 616006.
Van Maldergem syndrome 2 (VMLDS2). Identifiers: Orphanet 314679, MedGen C3809875, MONDO:0014242, OMIM 615546.
Inborn genetic diseases. Identifiers: MedGen C0950123, MeSH D030342.

Allele frequency attached by ClinVar (database versions not stated): gnomAD exomes 0.00004 and 0.00010; ExAC 0.00014; TOPMed 0.00027; gnomAD 0.00030; 1000 Genomes Project 30x 0.00031; 1000 Genomes Project 0.00040; ESP Exome Variant Server 0.00046.
gnomAD v4.1: 121 of 1,613,980 alleles (0.0075%); highest among the groups gnomAD compares: African/African-American, 0.11%; no homozygotes.

Submissions (5):

CeGaT Center for Human Genetics Tuebingen
Classification: Uncertain significance. Last evaluated: 2026-07-01. Review status: criteria provided, single submitter. Criteria: CeGaT Center For Human Genetics Tuebingen Variant Classification Criteria Version 2. Collection method: clinical testing. Allele origin: germline. Affected: yes. Observed: 1 variant allele.
Comment: FAT4: PM2, BP4

Labcorp Genetics (formerly Invitae), Labcorp
Classification: Likely benign. Last evaluated: 2025-12-15. Review status: criteria provided, single submitter. Criteria: Invitae Variant Classification Sherloc (09022015). Collection method: clinical testing. Allele origin: germline.

Ambry Genetics
Classification: Uncertain significance for Inborn genetic diseases. Last evaluated: 2025-08-09. Review status: criteria provided, single submitter. Criteria: Ambry Variant Classification Scheme 2023. Collection method: clinical testing. Allele origin: germline.

Fulgent Genetics
Classification: Uncertain significance for Van Maldergem syndrome 2; Hennekam lymphangiectasia-lymphedema syndrome 2. Last evaluated: 2024-05-15. Review status: criteria provided, single submitter. Criteria: ACMG Guidelines, 2015. Collection method: clinical testing. Allele origin: germline.

GeneDx
Classification: Uncertain significance. Last evaluated: 2023-06-09. Review status: criteria provided, single submitter. Criteria: GeneDx Variant Classification Process June 2021. Collection method: clinical testing. Allele origin: germline. Affected: yes.
Comment: In silico analysis, which includes protein predictors and evolutionary conservation, supports a deleterious effect; Has not been previously published as pathogenic or benign to our knowledge